The following is an entry in ClinVar:

ClinVar aggregate classification (germline): Pathogenic (1 of 4 stars; one submission).

Conditions:
Tuberous sclerosis 2 (TSC2). Identifiers: Orphanet 805, MedGen C1860707, MONDO:0013199, OMIM 613254.

Submission:

Labcorp Genetics (formerly Invitae), Labcorp
Classification: Pathogenic for Tuberous sclerosis 2. Last evaluated: 2018-07-15. Review status: criteria provided, single submitter. Criteria: Invitae Variant Classification Sherloc (09022015). Collection method: clinical testing. Allele origin: germline.
Comment: This sequence change creates a premature translational stop signal (p.Glu650Serfs*48) in the TSC2 gene. It is expected to result in an absent or disrupted protein product. This variant is not present in population databases (ExAC no frequency). This variant has not been reported in the literature in individuals with TSC2-related disease. Loss-of-function variants in TSC2 are known to be pathogenic (PMID: 10205261, 17304050). For these reasons, this variant has been classified as Pathogenic.

NM_000548.3(TSC2):c.1948delG

Gene: TSC2 (TSC complex subunit 2; plus strand). Cytogenetic location: 16p13.3.
Variant type: Deletion.
Coding change: c.1948delG on transcript NM_000548.3; coding-DNA position 1948, one base deleted (G).
Genome position (GRCh38, 1-based): chr16:2,071,785, G deleted; the last of 3 consecutive G bases (chr16:2,071,783-2,071,785); deleting any one gives the same sequence. VCF-style (leftmost placement, unchanged base first): chr16-2071782-AG-A. GRCh37 (hg19) VCF-style: chr16-2121783-AG-A.
Identifiers: ClinVar variation 663517 (VCV000663517.3), dbSNP rs1596343922, ClinGen allele CA915946251.